The following is an entry in ClinVar:

NM_152743.4(BRAT1):c.638dup (p.Val214fs)

Gene: BRAT1 (BRCA1 associated ATM activator 1; minus strand). Cytogenetic location: 7p22.3.
Variant type: Duplication.
Coding change: c.638dup on transcript NM_152743.4 (MANE Select); coding-DNA position 638, one base duplicated (A; older notation c.638dupA).
Protein change: p.Val214fs; shifts the reading frame from valine 214.
Molecular consequence: frameshift variant. On other transcripts: non-coding transcript variant (1).
Genome position (GRCh38, 1-based): chr7:2,543,755, T duplicated on the plus strand (A on the coding strand, the reverse complement: BRAT1 is on the minus strand); the first of 2 consecutive T bases (chr7:2,543,755-2,543,756); duplicating either gives the same sequence. VCF-style (leftmost placement, unchanged base first): chr7-2543754-C-CT. GRCh37 (hg19) VCF-style: chr7-2583388-C-CT.
Other names: p.Val214Glyfs*189; NP_689956.2:p.(Val214GlyfsTer189); c.638dup, p.Val214fs (NM_001350626.2); c.113dup, p.Val39fs (NM_001350627.2); c.638dupA (NM_152743.3, NM_001350626.2); c.638dup (NM_001350626.1); short protein forms V214fs, V39fs.
Identifiers: ClinVar variation 31199 (VCV000031199.88), dbSNP rs730880324, ClinGen allele CA129742.
Genomic context (GRCh38, chr7:2,543,754, plus strand): 5'-CGTCCAGGGGCTCTGGCAGCGCCCGAAGGTCGTGGTCAGGACGTTCAGGGCCTGAGTGAC[C>CT]TTGGGGGTGGCCGCGGAGCACAAGGACTCTTCAACGTGATCCATGATCTTCTGGGCACAC-3'

ClinVar aggregate classification (germline): Pathogenic/Likely pathogenic. Review status: criteria provided, multiple submitters, no conflicts (2 of 4 stars). 28 submissions from 26 submitters: Pathogenic (20); Likely pathogenic (1). 7 of the submissions do not count toward it. Last evaluated 2026-05-18.

Conditions:
Fetal anomalies with a likely genetic cause.
Early-infantile developmental and epileptic encephalopathy. Identifiers: MedGen C5781758.
BRAT1-related disorder. Also called: BRAT1-related disorders; BRAT1-related condition.
Inborn genetic diseases. Identifiers: MedGen C0950123, MeSH D030342.
Neurodevelopmental disorder with cerebellar atrophy and with or without seizures. Identifiers: MedGen C4748032, MONDO:0020841, OMIM 618056.
Neonatal-onset encephalopathy with rigidity and seizures. Also called: Lethal neonatal spasticity-epileptic encephalopathy syndrome. Identifiers: Orphanet 435845, MedGen C3281029, MONDO:0013784, OMIM 614498.

Submissions 1 to 13 of 28:

PreventionGenetics, part of Exact Sciences
Classification: Pathogenic for BRAT1-related condition. Last evaluated: 2026-05-18. Review status: criteria provided, single submitter. Criteria: ACMG Guidelines, 2015. Collection method: clinical testing. Allele origin: germline.
Comment: The BRAT1 c.638dupA variant is predicted to result in a frameshift and premature protein termination (p.Val214Glyfs*189). This variant has been reported in the homozygous or compound heterozygous state in individuals with lethal neonatal rigidity and multifocal seizure syndrome (reported as c.638_639insA, Puffenberger et al. 2012. PubMed ID: 22279524; Srivastava et al. 2016. PubMed ID: 27282546) or progressive recessive encephalopathy (Fernández-Jaén et al. 2016. PubMed ID: 26947546; Valence et al. 2018. PubMed ID: 29997391). Experimental studies indicate this variant impacts protein function (Puffenberger et al. 2012. PubMed ID: 22279524). This variant is reported in 0.044% of alleles in individuals of European (non-Finnish) descent in gnomAD. Frameshift variants in BRAT1 are expected to be pathogenic. This variant is interpreted as pathogenic.

Genetics Laboratory, Great Ormond Street Hospital NHS Foundation Trust, North Thames Genomic Laboratory Hub
Classification: Pathogenic for Fetal anomalies with a likely genetic cause. Last evaluated: 2026-02-25. Review status: criteria provided, single submitter. Criteria: ACGS Best Practice Guidelines for Variant Classification in Rare Disease 2024 v1.2. Collection method: clinical testing. Allele origin: germline. Affected: yes.
Comment: PS4_moderate, PVS1_very-strong

Labcorp Genetics (formerly Invitae), Labcorp
Classification: Pathogenic for Neonatal-onset encephalopathy with rigidity and seizures. Last evaluated: 2025-11-24. Review status: criteria provided, single submitter. Criteria: Invitae Variant Classification Sherloc (09022015). Collection method: clinical testing. Allele origin: germline.
Comment: This sequence change creates a premature translational stop signal (p.Val214Glyfs*189) in the BRAT1 gene. It is expected to result in an absent or disrupted protein product. Loss-of-function variants in BRAT1 are known to be pathogenic (PMID: 22279524, 25500575). This variant is present in population databases (rs730880324, gnomAD 0.05%). This premature translational stop signal has been observed in individuals with lethal neonatal rigidity and seizure syndrome and/or progressive encephalopathy, early-onset epileptic encephalopathy, ataxia, and developmental delay (PMID: 22279524, 26535877, 26947546, 27282546, 27282648). This variant is also known as c.638_639insA. ClinVar contains an entry for this variant (Variation ID: 31199). For these reasons, this variant has been classified as Pathogenic.

CeGaT Center for Human Genetics Tuebingen
Classification: Pathogenic. Last evaluated: 2025-04-01. Review status: criteria provided, single submitter. Criteria: CeGaT Center For Human Genetics Tuebingen Variant Classification Criteria Version 2. Collection method: clinical testing. Allele origin: germline. Affected: yes. Observed: 6 variant alleles.
Comment: BRAT1: PVS1, PM3:Strong, PP1:Strong, PM2

Mayo Clinic Laboratories, Mayo Clinic
Classification: Pathogenic. Last evaluated: 2025-03-26. Review status: criteria provided, single submitter. Criteria: ACMG Guidelines, 2015. Collection method: clinical testing. Allele origin: germline. Observed: 1 variant allele.
Comment: PM2_supporting, PM3_strong, PVS1

Genomic Medicine Center of Excellence, King Faisal Specialist Hospital and Research Centre
Classification: Pathogenic for Neonatal-onset encephalopathy with rigidity and seizures. Last evaluated: 2024-09-22. Review status: criteria provided, single submitter. Criteria: ACMG Guidelines, 2015. Collection method: clinical testing. Allele origin: germline.

Blueprint Genetics
Classification: Pathogenic for BRAT1-related disorders. Last evaluated: 2024-09-09. Review status: criteria provided, single submitter. Criteria: ACMG Guidelines, 2015. Collection method: clinical testing. Allele origin: germline. Affected: yes. Observed: 5 variant alleles.

Unidad de Genómica Garrahan, Hospital de Pediatría Garrahan
Classification: Pathogenic for Early-infantile developmental and epileptic encephalopathy. Last evaluated: 2024-01-01. Review status: criteria provided, single submitter. Criteria: ACMG Guidelines, 2015. Collection method: clinical testing. Allele origin: paternal. Affected: yes. Observed: 2 variant alleles.
Comment: ACMG/AMP criteria applied: PVS1_very strong, PS3_supporting, PM2_supporting, PM3_very strong. Observed in compound heterozygosity with NM_152743.4:c.294dup (p.Leu99ThrfsTer92).

Women's Health and Genetics/Laboratory Corporation of America, LabCorp
Classification: Pathogenic for Neurodevelopmental disorder with cerebellar atrophy and with or without seizures. Last evaluated: 2023-06-01. Review status: criteria provided, single submitter. Criteria: LabCorp Variant Classification Summary - May 2015. Collection method: clinical testing. Allele origin: germline.
Comment: Variant summary: C7orf27 (BRAT1) c.638dupA (p.Val214GlyfsX189) results in a premature termination codon, predicted to cause a truncation of the encoded protein or absence of the protein due to nonsense mediated decay, which are commonly known mechanisms for disease. The variant allele was found at a frequency of 0.00024 in 279484 control chromosomes (gnomAD). c.638dupA has been reported in the literature as a biallelic genotype in individuals affected with lethal neonatal rigidity and seizure syndrome, neurodevelopmental disorder with cerebellar atrophy, and in individuals with nonprogressive congenital ataxia and shrunken cerebellum (e.g. Puffenberger_2012, Nuovo_2022). These data indicate that the variant is very likely to be associated with disease. Additionally, overexpression of the variant protein in vitro resulted in abolished nuclear localization and demonstrated protein instability (e.g. Puffenberger_2012). The following publications have been ascertained in the context of this evaluation (PMID: 34747546, 22279524). Fourteen submitters have provided clinical-significance assessments for this variant to ClinVar after 2014 and all classified the variant as pathogenic (n=13)/likely pathogenic (n=1). Based on the evidence outlined above, the variant was classified as pathogenic.

Institute for Medical Genetics and Human Genetics, Charité - Universitätsmedizin Berlin
Classification: Pathogenic for Neurodevelopmental disorder with cerebellar atrophy and with or without seizures. Last evaluated: 2022-09-22. Review status: criteria provided, single submitter. Criteria: ACMG Guidelines, 2015. Collection method: clinical testing. Allele origin: germline. Inheritance: Autosomal recessive inheritance. Affected: yes. Observed: 1 compound heterozygote.

CENTOGENE GmbH and LLC - Guiding Precision Medicine
Classification: Pathogenic for Neonatal-onset encephalopathy with rigidity and seizures. Last evaluated: 2022-04-21. Review status: criteria provided, single submitter. Criteria: ACMG Guidelines, 2015. Collection method: clinical testing. Allele origin: germline. Affected: yes.

GeneDx
Classification: Pathogenic. Last evaluated: 2022-01-17. Review status: criteria provided, single submitter. Criteria: GeneDx Variant Classification Process June 2021. Collection method: clinical testing. Allele origin: germline. Affected: yes.
Comment: Published functional studies demonstrate aggregation of mutant BRAT1 protein in the cytoplasm suggesting protein destabilization (Puffenberger et al., 2012); Frameshift variant predicted to result in protein truncation or nonsense mediated decay in a gene for which loss-of-function is a known mechanism of disease; This variant is associated with the following publications: (PMID: 25356970, 22279524, 26494257, 25319849, 27282546, 26535877, 26947546, 29997391, 30552426, 31028937, 27282648, 31589614, 31980526, 34426522, 25500575)

Dasa
Classification: Pathogenic for Neonatal-onset encephalopathy with rigidity and seizures. Last evaluated: 2021-09-02. Review status: criteria provided, single submitter. Criteria: ACMG Guidelines, 2015. Collection method: clinical testing. Allele origin: germline. Affected: yes. Observed: 1 variant allele.
Comment: The c.638dup;p.(Val214Glyfs*189) is a null frameshift variant in the BRAT1 gene with an insertion of 1 base pair - PVS1; well-established in vitro or in vivo functional studies supportive of a damaging effect on the gene or gene product (PMID: 22279524) - PS3; this variant has been reported as homozygous or compound heterozygous in several individuals with lethal neonatal rigidity and seizure syndrome (PMID: 27282648; 27282546; 22279524; 26535877; 26535877; 26947546 and GeneOne, DASA), and ClinVar contains an entry for this variant (Clinvar ID: 31199) - PS4; this variant is present in population databases (rs730880324, gnomAD frequency 0.02%; ABraOM frequency 0.04%); variant detected in trans with a pathogenic variant (PMID: 27282648; 27282546; 22279524; 26535877; 26535877; 26947546) - PM3_strong; this variant has been observed to segregate in families (PMID: 27282648; 27282546; 26535877; 26947546) - PP1_strong. For these reasons, this variant was classified as pathogenic.